The following is an entry in ClinVar:

NM_001142800.2(EYS):c.7228G>A (p.Ala2410Thr)

Gene: EYS (EGF-like photoreceptor maintenance factor; minus strand). Cytogenetic location: 6q12.
Variant type: single nucleotide variant.
Coding change: c.7228G>A on transcript NM_001142800.2 (MANE Select); coding-DNA position 7228, G replaced by A.
Protein change: p.Ala2410Thr; replaces alanine 2410 with threonine.
Molecular consequence: missense variant.
Genome position (GRCh38, 1-based): chr6:63,864,186, C>T on the plus strand (G>A on the coding strand, the complement: EYS is on the minus strand). VCF-style: chr6-63864186-C-T. GRCh37 (hg19) VCF-style: chr6-64574079-C-T.
Other names: NC_000006.11:g.64574079C>T; NP_001136272.1:p.(Ala2410Thr); c.7228G>A, p.Ala2410Thr (NM_001292009.2); c.7228G>A (NM_001142800.1); short protein forms A2410T.
Identifiers: ClinVar variation 2577515 (VCV002577515.3), dbSNP rs915505702, ClinGen allele CA364386115.

ClinVar aggregate classification (germline): Likely pathogenic. Review status: criteria provided, multiple submitters, no conflicts (2 of 4 stars). 2 submissions from 2 submitters: Likely pathogenic (2). Last evaluated 2025-10-02.

Conditions:
Retinitis pigmentosa 25 (RP25). Identifiers: Orphanet 791, MedGen C1864446, MONDO:0011272, OMIM 602772.
Retinitis pigmentosa (RP). Identifiers: Orphanet 791, MedGen C0035334, MeSH D012174, MONDO:0019200, OMIM 268000. Inheritance: Autosomal dominant, autosomal recessive and X linked inheritance.

gnomAD v4.1: 1 of 1,480,398 alleles (0.000068%); no homozygotes.

Submissions (2):

Natera, Inc.
Classification: Likely pathogenic for Retinitis pigmentosa type 25. Last evaluated: 2025-10-02. Review status: criteria provided, single submitter. Criteria: Natera Variant Classification Schema (03/2026). Collection method: clinical testing. Allele origin: germline.
Comment: The c.7228G>A variant in EYS is a missense variant predicted to cause substitution of alanine to threonine at amino acid 2410. This variant is rare in the general population with a frequency below the threshold expected for the associated phenotype(s). This variant has been observed in one or more individuals affected with the associated recessive disease, as either homozygous or compound heterozygous with a second variant (PMID: 36764454, 36909829). Additionally, this variant has been observed to segregate in affected family members (PMID: 36764454). Computational prediction algorithms indicate this variant is likely to affect gene or protein function. Given the available evidence, this variant is classified as Likely Pathogenic.

Ophthalmic Genetics Group, Institute of Molecular and Clinical Ophthalmology Basel
Classification: Likely pathogenic for Retinitis pigmentosa. Last evaluated: 2023-07-24. Review status: criteria provided, single submitter. Criteria: ACMG Guidelines, 2015. Collection method: research. Allele origin: germline. Affected: yes. Observed: 1 variant allele.
Comment: Clinical significance based on ACMG v2.0

This variant was classified as Likely pathogenic based on ACMG criteria: PM2, PP3, PM5, PM3.

Literature cited by the submitters: PubMed 36764454 (cited by Natera, Inc.); PubMed 36909829 (cited by Natera, Inc. and Ophthalmic Genetics Group, Institute of Molecular and Clinical Ophthalmology Basel).